The following is an entry in ClinVar:

ClinVar aggregate classification (germline): Uncertain significance (1 of 4 stars; one submission).

Submission:

GeneDx
Classification: Uncertain significance. Last evaluated: 2023-02-22. Review status: criteria provided, single submitter. Criteria: GeneDx Variant Classification Process June 2021. Collection method: clinical testing. Allele origin: germline. Affected: yes.
Comment: Not observed at significant frequency in large population cohorts (gnomAD); In silico analysis supports that this missense variant has a deleterious effect on protein structure/function; Has not been previously published as pathogenic or benign to our knowledge

NM_001129.5(AEBP1):c.1833T>A (p.His611Gln)

Gene: AEBP1 (AE binding protein 1; plus strand). Cytogenetic location: 7p13.
Variant type: single nucleotide variant.
Coding change: c.1833T>A on transcript NM_001129.5 (MANE Select); coding-DNA position 1833, T replaced by A.
Protein change: p.His611Gln; replaces histidine 611 with glutamine.
Molecular consequence: missense variant.
Genome position (GRCh38, 1-based): chr7:44,111,623, T>A. VCF-style: chr7-44111623-T-A. GRCh37 (hg19) VCF-style: chr7-44151222-T-A.
Other names: short protein forms H611Q.
Identifiers: ClinVar variation 2577615 (VCV002577615.1), dbSNP rs2096229535, ClinGen allele CA367366736.